The following is an entry in ClinVar:

ClinVar aggregate classification (germline): Pathogenic (1 of 4 stars; one submission).

Conditions:
Familial focal epilepsy with variable foci (FPEVF). Identifiers: Orphanet 98820, MedGen C1858477, MONDO:0020310.

Submission:

Labcorp Genetics (formerly Invitae), Labcorp
Classification: Pathogenic for Familial focal epilepsy with variable foci. Last evaluated: 2020-06-19. Review status: criteria provided, single submitter. Criteria: Invitae Variant Classification Sherloc (09022015). Collection method: clinical testing. Allele origin: germline.
Comment: This variant is a gross deletion of the genomic region encompassing exons 2-12 of the DEPDC5 gene, which includes the initiator codon. The 5' end of this event is unknown as it extends beyond the assayed region for this gene and therefore may encompass additional genes. The 3' boundary is likely confined to intron 12 of the DEPDC5 gene. This is expected to result in an absent or disrupted protein product. This variant has not been reported in the literature in individuals with DEPDC5-related conditions. Loss-of-function variants in DEPDC5 are known to be pathogenic (PMID: 23542697, 23542701). For these reasons, this variant has been classified as Pathogenic.

Literature cited by the submitters: PubMed 23542697; PubMed 23542701.

NC_000022.10:g.(?_32150888)_(32188823_?)del

Gene: DEPDC5 (DEP domain containing 5, GATOR1 subcomplex subunit; plus strand). Cytogenetic location: 22q12.2.
Variant type: Deletion.
Identifiers: ClinVar variation 1071275 (VCV001071275.5).